The following is an entry in ClinVar:

NM_001039876.3(SYNE4):c.494C>T (p.Ala165Val)

Gene: SYNE4 (spectrin repeat containing nuclear envelope family member 4; minus strand). Cytogenetic location: 19q13.12.
Variant type: single nucleotide variant.
Coding change: c.494C>T on transcript NM_001039876.3 (MANE Select); coding-DNA position 494, C replaced by T.
Protein change: p.Ala165Val; replaces alanine 165 with valine.
Molecular consequence: missense variant. On other transcripts: intron variant (1).
Genome position (GRCh38, 1-based): chr19:36,006,874, G>A on the plus strand (C>T on the coding strand, the complement: SYNE4 is on the minus strand). VCF-style: chr19-36006874-G-A. GRCh37 (hg19) VCF-style: chr19-36497776-G-A.
Other names: c.280-203C>T (NM_001297735.3); short protein forms A165V.
Identifiers: ClinVar variation 1803519 (VCV001803519.2), dbSNP rs954261566, ClinGen allele CA307816167.

ClinVar aggregate classification (germline): Uncertain significance (1 of 4 stars; one submission).

Allele frequency attached by ClinVar (database versions not stated): gnomAD 0.00001; TOPMed 0.00002.
gnomAD v4.1: 29 of 1,572,122 alleles (0.0018%); highest among the groups gnomAD compares: Non-Finnish European, 0.0023%; no homozygotes.

Submission:

GeneDx
Classification: Uncertain significance. Last evaluated: 2024-09-27. Review status: criteria provided, single submitter. Criteria: GeneDx Variant Classification Process June 2021. Collection method: clinical testing. Allele origin: germline.
Comment: Not observed at significant frequency in large population cohorts (gnomAD); In silico analysis indicates that this missense variant does not alter protein structure/function; Has not been previously published as pathogenic or benign to our knowledge